The following is an entry in ClinVar:

NM_000330.4(RS1):c.439T>C (p.Trp147Arg)

Genes: CDKL5 (cyclin dependent kinase like 5; plus strand), RS1 (retinoschisin 1; minus strand). Cytogenetic location: Xp22.13.
Variant type: single nucleotide variant.
Coding change: c.439T>C on transcript NM_000330.4 (MANE Select); coding-DNA position 439, T replaced by C.
Protein change: p.Trp147Arg; replaces tryptophan 147 with arginine.
Molecular consequence: missense variant. On other transcripts: intron variant (2).
Genome position (GRCh38, 1-based): chrX:18,644,513, A>G on the plus strand (T>C on the coding strand, the complement: RS1 is on the minus strand). VCF-style: chrX-18644513-A-G. GRCh37 (hg19) VCF-style: chrX-18662633-A-G.
Other names: c.2714-1494A>G (NM_003159.3, NM_001037343.2); short protein forms W147R.
Identifiers: ClinVar variation 1338796 (VCV001338796.8), dbSNP rs2147191229, ClinGen allele CA412371733.

ClinVar aggregate classification (germline): Uncertain significance. Review status: criteria provided, multiple submitters, no conflicts (2 of 4 stars). 2 submissions from 2 submitters: Uncertain significance (2). Last evaluated 2023-11-15.

Conditions:
Juvenile retinoschisis (RS1). Also called: X-linked retinoschisis; X-Linked Juvenile Retinoschisis. Identifiers: Orphanet 792, MedGen C3714753, MONDO:0010725, OMIM 312700.

Submissions (2):

Labcorp Genetics (formerly Invitae), Labcorp
Classification: Uncertain significance. Last evaluated: 2023-11-15. Review status: criteria provided, single submitter. Criteria: Invitae Variant Classification Sherloc (09022015). Collection method: clinical testing. Allele origin: germline.
Comment: This sequence change replaces tryptophan, which is neutral and slightly polar, with arginine, which is basic and polar, at codon 147 of the RS1 protein (p.Trp147Arg). This variant is not present in population databases (gnomAD no frequency). This variant has not been reported in the literature in individuals affected with RS1-related conditions. ClinVar contains an entry for this variant (Variation ID: 1338796). Advanced modeling of protein sequence and biophysical properties (such as structural, functional, and spatial information, amino acid conservation, physicochemical variation, residue mobility, and thermodynamic stability) performed at Invitae indicates that this missense variant is expected to disrupt RS1 protein function with a positive predictive value of 95%. In summary, the available evidence is currently insufficient to determine the role of this variant in disease. Therefore, it has been classified as a Variant of Uncertain Significance.

Institute of Human Genetics, University of Leipzig Medical Center
Classification: Uncertain significance for Juvenile retinoschisis. Last evaluated: 2022-01-17. Review status: criteria provided, single submitter. Criteria: ACMG Guidelines, 2015. Collection method: clinical testing. Allele origin: unknown. Affected: yes.
Comment: This variant was identified as hemizygous._x000D_ Criteria applied: PM2_SUP, PP3